The following is an entry in ClinVar:

NM_022124.6(CDH23):c.9937G>A (p.Glu3313Lys)

Gene: CDH23 (cadherin related 23; plus strand). Cytogenetic location: 10q22.1.
Variant type: single nucleotide variant.
Coding change: c.9937G>A on transcript NM_022124.6 (MANE Select); coding-DNA position 9937, G replaced by A.
Protein change: p.Glu3313Lys; replaces glutamic acid 3313 with lysine.
Molecular consequence: missense variant.
Genome position (GRCh38, 1-based): chr10:71,815,150, G>A. VCF-style: chr10-71815150-G-A. GRCh37 (hg19) VCF-style: chr10-73574907-G-A.
Other names: c.3217G>A, p.Glu1073Lys (NM_001171933.1); c.3112G>A, p.Glu1038Lys (NM_001171934.1); c.628G>A, p.Glu210Lys (NM_001171935.1); c.523G>A, p.Glu175Lys (NM_001171936.1); short protein forms E1038K, E1073K, E175K, E210K, E3313K.
Identifiers: ClinVar variation 1195936 (VCV001195936.8), dbSNP rs2133017674, ClinGen allele CA377138647.

ClinVar aggregate classification (germline): Uncertain significance. Review status: criteria provided, multiple submitters, no conflicts (2 of 4 stars). 3 submissions from 2 submitters: Uncertain significance (3). Last evaluated 2021-09-17.

Conditions:
Autosomal recessive nonsyndromic hearing loss 12. Also called: DEAFNESS, AUTOSOMAL RECESSIVE 12. Identifiers: Orphanet 90636, MedGen C1832394, MONDO:0011067, OMIM 601386.
Usher syndrome type 1D (USH1D). Also called: USHER SYNDROME, TYPE ID. Identifiers: Orphanet 231169, Orphanet 886, MedGen C1832845, MONDO:0010984, OMIM 601067.

Allele frequency attached by ClinVar (database versions not stated): gnomAD exomes below 0.00001.
gnomAD v4.1: 5 of 1,611,590 alleles (0.00031%); highest among the groups gnomAD compares: Non-Finnish European, 0.00042%; no homozygotes.

Submissions (3):

Labcorp Genetics (formerly Invitae), Labcorp
Classification: Uncertain significance. Last evaluated: 2021-09-17. Review status: criteria provided, single submitter. Criteria: Invitae Variant Classification Sherloc (09022015). Collection method: clinical testing. Allele origin: germline.
Comment: This sequence change replaces glutamic acid with lysine at codon 3313 of the CDH23 protein (p.Glu3313Lys). The glutamic acid residue is highly conserved and there is a small physicochemical difference between glutamic acid and lysine. This variant is not present in population databases (ExAC no frequency). This variant has not been reported in the literature in individuals with CDH23-related disease. In summary, the available evidence is currently insufficient to determine the role of this variant in disease. Therefore, it has been classified as a Variant of Uncertain Significance.

Genome-Nilou Lab
Classification: Uncertain significance for Autosomal recessive nonsyndromic hearing loss 12. Last evaluated: 2021-07-14. Review status: criteria provided, single submitter. Criteria: ACMG Guidelines, 2015. Collection method: clinical testing. Allele origin: germline. Affected: no.

Genome-Nilou Lab
Classification: Uncertain significance for Usher syndrome type 1D. Last evaluated: 2021-07-14. Review status: criteria provided, single submitter. Criteria: ACMG Guidelines, 2015. Collection method: clinical testing. Allele origin: germline. Affected: no.